The following is an entry in ClinVar:

NM_000410.4(HFE):c.314T>G (p.Ile105Ser)

Gene: HFE (homeostatic iron regulator; plus strand). Cytogenetic location: 6p22.2.
Variant type: single nucleotide variant.
Coding change: c.314T>G on transcript NM_000410.4 (MANE Select); coding-DNA position 314, T replaced by G.
Protein change: p.Ile105Ser; replaces isoleucine 105 with serine.
Molecular consequence: missense variant. On other transcripts: intron variant (5).
Genome position (GRCh38, 1-based): chr6:26,091,078, T>G. VCF-style: chr6-26091078-T-G. GRCh37 (hg19) VCF-style: chr6-26091306-T-G.
Other names: c.314T>G, p.Ile105Ser (NM_001300749.3, NM_001384164.1, NM_001406751.1 and 3 more transcripts); c.245T>G, p.Ile82Ser (NM_139009.3); c.77-236T>G (NM_139007.3, NM_001406752.1, NM_139008.3); c.77-1607T>G (NM_139010.3); c.77-2041T>G (NM_139011.3); short protein forms I82S, I105S.
Identifiers: ClinVar variation 2819902 (VCV002819902.3), dbSNP rs28934596, ClinGen allele CA363206289.
Genomic context (GRCh38, chr6:26,091,078, plus strand): 5'-TGCAGCTGAGTCAGAGTCTGAAAGGGTGGGATCACATGTTCACTGTTGACTTCTGGACTA[T>G]TATGGAAAATCACAACCACAGCAAGGGTATGTGGAGAGGGGGCCTCACCTTCCTGAGGTT-3'
Protein context (NP_000401.1, residues 95-115): DHMFTVDFWT[Ile105Ser]MENHNHSKES

ClinVar aggregate classification (germline): Uncertain significance (1 of 4 stars; one submission).

Conditions:
Hereditary hemochromatosis (HFE). Identifiers: MedGen C0392514, MONDO:0006507. Disease mechanism: loss of function.

Submission:

Labcorp Genetics (formerly Invitae), Labcorp
Classification: Uncertain significance for Hereditary hemochromatosis. Last evaluated: 2022-12-10. Review status: criteria provided, single submitter. Criteria: Invitae Variant Classification Sherloc (09022015). Collection method: clinical testing. Allele origin: germline.
Comment: This variant has not been reported in the literature in individuals affected with HFE-related conditions. In summary, the available evidence is currently insufficient to determine the role of this variant in disease. Therefore, it has been classified as a Variant of Uncertain Significance. Advanced modeling of protein sequence and biophysical properties (such as structural, functional, and spatial information, amino acid conservation, physicochemical variation, residue mobility, and thermodynamic stability) performed at Invitae indicates that this missense variant is expected to disrupt HFE protein function. This variant is not present in population databases (gnomAD no frequency). This sequence change replaces isoleucine, which is neutral and non-polar, with serine, which is neutral and polar, at codon 105 of the HFE protein (p.Ile105Ser).